The following is an entry in ClinVar:

ClinVar aggregate classification (germline): Uncertain significance (1 of 4 stars; one submission).

Conditions:
Methylcobalamin deficiency type cblE (HMAE). Also called: VITAMIN B12-RESPONSIVE HOMOCYSTINURIA, cblE TYPE; HOMOCYSTINURIA-MEGALOBLASTIC ANEMIA, cblE COMPLEMENTATION TYPE; HOMOCYSTINURIA-MEGALOBLASTIC ANEMIA, cblE TYPE. Identifiers: Orphanet 2169, Orphanet 622, MedGen C1856057, MONDO:0009354, OMIM 236270.

Allele frequency attached by ClinVar (database versions not stated): gnomAD exomes 0.00001.
gnomAD v4.1: 5 of 1,611,926 alleles (0.00031%); highest among the groups gnomAD compares: Non-Finnish European, 0.00042%; no homozygotes.

Submission:

Labcorp Genetics (formerly Invitae), Labcorp
Classification: Uncertain significance for Methylcobalamin deficiency type cblE. Last evaluated: 2022-07-30. Review status: criteria provided, single submitter. Criteria: Invitae Variant Classification Sherloc (09022015). Collection method: clinical testing. Allele origin: germline.
Comment: This sequence change replaces glycine, which is neutral and non-polar, with glutamic acid, which is acidic and polar, at codon 353 of the MTRR protein (p.Gly353Glu). This variant is present in population databases (no rsID available, gnomAD 0.006%). This variant has not been reported in the literature in individuals affected with MTRR-related conditions. Algorithms developed to predict the effect of missense changes on protein structure and function are either unavailable or do not agree on the potential impact of this missense change (SIFT: "Deleterious"; PolyPhen-2: "Probably Damaging"; Align-GVGD: "Class C0"). Algorithms developed to predict the effect of sequence changes on RNA splicing suggest that this variant may create or strengthen a splice site. In summary, the available evidence is currently insufficient to determine the role of this variant in disease. Therefore, it has been classified as a Variant of Uncertain Significance.

NM_002454.3(MTRR):c.1058G>A (p.Gly353Glu)

Gene: MTRR (5-methyltetrahydrofolate-homocysteine methyltransferase reductase; plus strand). Cytogenetic location: 5p15.31.
Variant type: single nucleotide variant.
Coding change: c.1058G>A on transcript NM_002454.3 (MANE Select); coding-DNA position 1058, G replaced by A.
Protein change: p.Gly353Glu; replaces glycine 353 with glutamic acid.
Molecular consequence: missense variant. On other transcripts: non-coding transcript variant (12).
Genome position (GRCh38, 1-based): chr5:7,886,615, G>A. VCF-style: chr5-7886615-G-A. GRCh37 (hg19) VCF-style: chr5-7886728-G-A.
Other names: c.1058G>A, p.Gly353Glu (NM_001364440.2, NM_001364441.2, NM_001364442.2 and 1 more transcripts); short protein forms G353E.
Identifiers: ClinVar variation 2175751 (VCV002175751.1), dbSNP rs1192521826, ClinGen allele CA359158089.